The following is an entry in ClinVar:

ClinVar aggregate classification (germline): Uncertain significance. Review status: criteria provided, multiple submitters, no conflicts (2 of 4 stars). 3 submissions from 3 submitters: Uncertain significance (3). Last evaluated 2025-11-26.

Conditions:
Inborn genetic diseases. Identifiers: MedGen C0950123, MeSH D030342.
Pityriasis rubra pilaris (PRP). Also called: Pityriasis rubra pilaris--familial type. Identifiers: Orphanet 2897, MedGen C0032027, MONDO:0100017, OMIM 173200, MONDO:0008251.
Psoriasis 2. Identifiers: MedGen C1864497, MONDO:0011269, OMIM 602723.

gnomAD v4.1: 5 of 1,610,378 alleles (0.00031%); highest among the groups gnomAD compares: East Asian, 0.0022%; no homozygotes.

Submissions (3):

Ambry Genetics
Classification: Uncertain significance for Inborn genetic diseases. Last evaluated: 2025-11-26. Review status: criteria provided, single submitter. Criteria: Ambry Variant Classification Scheme 2023. Collection method: clinical testing. Allele origin: germline.

Women's Health and Genetics/Laboratory Corporation of America, LabCorp
Classification: Uncertain significance. Last evaluated: 2025-04-28. Review status: criteria provided, single submitter. Criteria: LabCorp Variant Classification Summary - May 2015. Collection method: clinical testing. Allele origin: germline.
Comment: Variant summary: CARD14 c.704G>A (p.Arg235Gln) results in a conservative amino acid change in the encoded protein sequence. Three of five in-silico tools predict a benign effect of the variant on protein function. The variant allele was found at a frequency of 4.1e-06 in 246754 control chromosomes. The available data on variant occurrences in the general population are insufficient to allow any conclusion about variant significance. To our knowledge, no occurrence of c.704G>A in individuals affected with Pityriasis rubra pilaris and no experimental evidence demonstrating its impact on protein function have been reported. ClinVar contains an entry for this variant (Variation ID: 3764019). Based on the evidence outlined above, the variant was classified as uncertain significance.

Labcorp Genetics (formerly Invitae), Labcorp
Classification: Uncertain significance for Pityriasis rubra pilaris; Psoriasis 2. Last evaluated: 2024-09-29. Review status: criteria provided, single submitter. Criteria: Invitae Variant Classification Sherloc (09022015). Collection method: clinical testing. Allele origin: germline.
Comment: This sequence change replaces arginine, which is basic and polar, with glutamine, which is neutral and polar, at codon 235 of the CARD14 protein (p.Arg235Gln). The frequency data for this variant in the population databases is considered unreliable, as metrics indicate poor data quality at this position in the gnomAD database. This variant has not been reported in the literature in individuals affected with CARD14-related conditions. An algorithm developed to predict the effect of missense changes on protein structure and function outputs the following: PolyPhen-2: "Benign". The glutamine amino acid residue is found in multiple mammalian species, which suggests that this missense change does not adversely affect protein function. In summary, the available evidence is currently insufficient to determine the role of this variant in disease. Therefore, it has been classified as a Variant of Uncertain Significance.

NM_001366385.1(CARD14):c.704G>A (p.Arg235Gln)

Gene: CARD14 (caspase recruitment domain family member 14; plus strand). Cytogenetic location: 17q25.3.
Variant type: single nucleotide variant.
Coding change: c.704G>A on transcript NM_001366385.1 (MANE Select); coding-DNA position 704, G replaced by A.
Protein change: p.Arg235Gln; replaces arginine 235 with glutamine.
Molecular consequence: missense variant. On other transcripts: 5 prime UTR variant (1), non-coding transcript variant (1).
Genome position (GRCh38, 1-based): chr17:80,188,405, G>A. VCF-style: chr17-80188405-G-A. GRCh37 (hg19) VCF-style: chr17-78162204-G-A.
Other names: c.704G>A (NM_024110.3); c.704G>A, p.Arg235Gln (NM_001257970.1, NM_024110.4); c.-8G>A (NM_052819.3); short protein forms R235Q.
Identifiers: ClinVar variation 3764019 (VCV003764019.5).